The following is an entry in ClinVar:

NM_005609.4(PYGM):c.516C>T (p.Ser172=)

Gene: PYGM (glycogen phosphorylase, muscle associated; minus strand). Cytogenetic location: 11q13.1.
Variant type: single nucleotide variant.
Coding change: c.516C>T on transcript NM_005609.4 (MANE Select); coding-DNA position 516, C replaced by T.
Protein change: p.Ser172=; no amino-acid change (serine 172 retained).
Molecular consequence: synonymous variant.
Genome position (GRCh38, 1-based): chr11:64,758,258, G>A on the plus strand (C>T on the coding strand, the complement: PYGM is on the minus strand). VCF-style: chr11-64758258-G-A. GRCh37 (hg19) VCF-style: chr11-64525730-G-A.
Other names: c.252C>T, p.Ser84= (NM_001164716.1).
Identifiers: ClinVar variation 259837 (VCV000259837.39), dbSNP rs147402432, ClinGen allele CA6080235.

ClinVar aggregate classification (germline): Likely benign. Review status: criteria provided, multiple submitters, no conflicts (2 of 4 stars). 5 submissions from 5 submitters: Likely benign (5). Last evaluated 2026-01-16.

Conditions:
Glycogen storage disease, type V (GSD5). Also called: MCARDLE DISEASE; MUSCLE GLYCOGEN PHOSPHORYLASE DEFICIENCY; MYOPHOSPHORYLASE DEFICIENCY; PYGM DEFICIENCY; McArdle type glycogen storage disease. Identifiers: Orphanet 368, MedGen C0017924, MONDO:0009293, OMIM 232600.

Allele frequency attached by ClinVar (database versions not stated): gnomAD exomes 0.00008 and 0.00023; ExAC 0.00023; ESP Exome Variant Server 0.00062; gnomAD 0.00076 and 0.00087; TOPMed 0.00097; 1000 Genomes Project 30x 0.00109; 1000 Genomes Project 0.00120.
gnomAD v4.1: 238 of 1,613,000 alleles (0.015%); highest among the groups gnomAD compares: African/African-American, 0.25%; 2 homozygotes.

Submissions (5):

Labcorp Genetics (formerly Invitae), Labcorp
Classification: Likely benign for Glycogen storage disease, type V. Last evaluated: 2026-01-16. Review status: criteria provided, single submitter. Criteria: Invitae Variant Classification Sherloc (09022015). Collection method: clinical testing. Allele origin: germline.

Blueprint Genetics
Classification: Likely benign. Last evaluated: 2024-07-15. Review status: criteria provided, single submitter. Criteria: ACMG Guidelines, 2015. Collection method: clinical testing. Allele origin: germline.

CeGaT Center for Human Genetics Tuebingen
Classification: Likely benign. Last evaluated: 2023-10-01. Review status: criteria provided, single submitter. Criteria: CeGaT Center For Human Genetics Tuebingen Variant Classification Criteria Version 2. Collection method: clinical testing. Allele origin: germline. Affected: yes. Observed: 1 variant allele.
Comment: PYGM: BP4, BP7

GeneDx
Classification: Likely benign. Last evaluated: 2021-06-28. Review status: criteria provided, single submitter. Criteria: GeneDx Variant Classification Process June 2021. Collection method: clinical testing. Allele origin: germline. Affected: yes.

PreventionGenetics, part of Exact Sciences
Classification: Likely benign. Review status: criteria provided, single submitter. Criteria: ACMG Guidelines, 2015. Collection method: clinical testing. Allele origin: germline.